The following is an entry in ClinVar:

ClinVar aggregate classification (germline): Likely pathogenic. Review status: criteria provided, multiple submitters, no conflicts (2 of 4 stars). 2 submissions from 2 submitters: Likely pathogenic (2). Last evaluated 2022-11-24.

Conditions:
Intellectual developmental disorder, X-linked, syndromic, Houge type. Also called: MENTAL RETARDATION, X-LINKED, SYNDROMIC, HOUGE TYPE; Intellectual disability, X-linked, syndromic, Houge type. Identifiers: MedGen C4538788, MONDO:0030909, OMIM 301008.

Submissions (2):

Institute of Immunology and Genetics Kaiserslautern
Classification: Likely pathogenic for Intellectual developmental disorder, X-linked, syndromic, Houge type. Last evaluated: 2022-11-24. Review status: criteria provided, single submitter. Criteria: ACMG Guidelines, 2015. Collection method: clinical testing. Allele origin: germline. Affected: yes.
Comment: ACMG Criteria: PM2, PVS1_S, PP3; Variant was found in hemizygous state.

Juno Genomics, Hangzhou Juno Genomics, Inc
Classification: Likely pathogenic for Intellectual developmental disorder, X-linked, syndromic, Houge type. Review status: criteria provided, single submitter. Criteria: ACMG Guidelines, 2015. Collection method: clinical testing. Allele origin: germline.
Comment: Absent from controls (or at extremely low frequency if recessive) in Genome Aggregation Database.;Null variant in a gene where loss of function (LOF) is a known mechanism of disease.

NM_014927.5(CNKSR2):c.1312C>T (p.Arg438Ter)

Gene: CNKSR2 (connector enhancer of kinase suppressor of Ras 2; plus strand). Cytogenetic location: Xp22.12.
Variant type: single nucleotide variant.
Coding change: c.1312C>T on transcript NM_014927.5 (MANE Select); coding-DNA position 1312, C replaced by T.
Protein change: p.Arg438Ter; replaces arginine 438 with a stop codon.
Molecular consequence: nonsense. On other transcripts: intron variant (4).
Genome position (GRCh38, 1-based): chrX:21,561,479, C>T. VCF-style: chrX-21561479-C-T. GRCh37 (hg19) VCF-style: chrX-21579597-C-T.
Other names: c.1312C>T, p.Arg438Ter (NM_001168648.3); c.1165C>T, p.Arg389Ter (NM_001168649.3, NM_001330770.2); c.1304-1759C>T (NM_001168647.3, NM_001330773.2); c.1157-1759C>T (NM_001330772.2, NM_001330771.2); short protein forms R389*, R438*.
Identifiers: ClinVar variation 3764721 (VCV003764721.4).